The following is an entry in ClinVar:

NM_020937.4(FANCM):c.2815G>A (p.Gly939Arg)

Gene: FANCM (FA complementation group M; plus strand). Cytogenetic location: 14q21.2.
Variant type: single nucleotide variant.
Coding change: c.2815G>A on transcript NM_020937.4 (MANE Select); coding-DNA position 2815, G replaced by A.
Protein change: p.Gly939Arg; replaces glycine 939 with arginine.
Molecular consequence: missense variant.
Genome position (GRCh38, 1-based): chr14:45,175,569, G>A. VCF-style: chr14-45175569-G-A. GRCh37 (hg19) VCF-style: chr14-45644772-G-A.
Other names: c.2815G>A (NM_020937.2); c.2737G>A, p.Gly913Arg (NM_001308133.2); short protein forms G913R, G939R.
Identifiers: ClinVar variation 1009252 (VCV001009252.10), dbSNP rs1037864411, ClinGen allele CA259627903.

ClinVar aggregate classification (germline): Uncertain significance. Review status: criteria provided, multiple submitters, no conflicts (2 of 4 stars). 3 submissions from 3 submitters: Uncertain significance (3). Last evaluated 2025-05-04.

Conditions:
Spermatogenic failure 28. Identifiers: MedGen C4748117, MONDO:0054732, OMIM 618086.
Premature ovarian failure 15. Identifiers: MedGen C4748170, MONDO:0054862, OMIM 618096.
Inborn genetic diseases. Identifiers: MedGen C0950123, MeSH D030342.
Fanconi anemia (FA). Also called: Fanconi's anemia. Identifiers: Orphanet 84, MedGen C0015625, MeSH D005199, MONDO:0019391.

Allele frequency attached by ClinVar (database versions not stated): gnomAD exomes below 0.00001; gnomAD 0.00002; TOPMed 0.00002.
gnomAD v4.1: 4 of 1,613,290 alleles (0.00025%); highest among the groups gnomAD compares: African/African-American, 0.0053%; no homozygotes.

Submissions (3):

Labcorp Genetics (formerly Invitae), Labcorp
Classification: Uncertain significance for Fanconi anemia. Last evaluated: 2025-05-04. Review status: criteria provided, single submitter. Criteria: Invitae Variant Classification Sherloc (09022015). Collection method: clinical testing. Allele origin: germline.
Comment: This sequence change replaces glycine, which is neutral and non-polar, with arginine, which is basic and polar, at codon 939 of the FANCM protein (p.Gly939Arg). This variant is present in population databases (no rsID available, gnomAD 0.01%). This variant has not been reported in the literature in individuals affected with FANCM-related conditions. ClinVar contains an entry for this variant (Variation ID: 1009252). An algorithm developed to predict the effect of missense changes on protein structure and function outputs the following: PolyPhen-2: "Benign". The arginine amino acid residue is found in multiple mammalian species, which suggests that this missense change does not adversely affect protein function. In summary, the available evidence is currently insufficient to determine the role of this variant in disease. Therefore, it has been classified as a Variant of Uncertain Significance.

Ambry Genetics
Classification: Uncertain significance for Inborn genetic diseases. Last evaluated: 2025-03-05. Review status: criteria provided, single submitter. Criteria: Ambry Variant Classification Scheme 2023. Collection method: clinical testing. Allele origin: germline.
Comment: The p.G939R variant (also known as c.2815G>A), located in coding exon 14 of the FANCM gene, results from a G to A substitution at nucleotide position 2815. The glycine at codon 939 is replaced by arginine, an amino acid with dissimilar properties. This amino acid position is conserved. In addition, this alteration is predicted to be tolerated by in silico analysis. Based on the available evidence, the clinical significance of this variant remains unclear.

Fulgent Genetics
Classification: Uncertain significance for Spermatogenic failure 28; Premature ovarian failure 15. Last evaluated: 2024-06-21. Review status: criteria provided, single submitter. Criteria: ACMG Guidelines, 2015. Collection method: clinical testing. Allele origin: germline.